The following is an entry in ClinVar:

NM_001035.3(RYR2):c.3180C>T (p.Tyr1060=)

Gene: RYR2 (ryanodine receptor 2; plus strand). Cytogenetic location: 1q43.
Variant type: single nucleotide variant.
Coding change: c.3180C>T on transcript NM_001035.3 (MANE Select); coding-DNA position 3180, C replaced by T.
Protein change: p.Tyr1060=; no amino-acid change (tyrosine 1060 retained).
Molecular consequence: synonymous variant.
Genome position (GRCh38, 1-based): chr1:237,550,657, C>T. VCF-style: chr1-237550657-C-T. GRCh37 (hg19) VCF-style: chr1-237713957-C-T.
Other names: c.3180C>T, p.Tyr1060= (LRG_402t1).
Identifiers: ClinVar variation 93478 (VCV000093478.23), dbSNP rs398123540, ClinGen allele CA009126.
Genomic context (GRCh38, chr1:237,550,657, plus strand): 5'-CCGAACCAAGAAATCCAACAAGGACAGCCTCCGCGAGGCTGTGCGCACGCTGCTGGGGTA[C>T]GGCTACAACTTGGAAGCACCAGATCAAGATCATGGTATTTTGGTTTTACTTTCCTCTTCT-3'
Protein context (NP_001026.2, residues 1050-1070): LREAVRTLLG[Tyr1060=]GYNLEAPDQD

ClinVar aggregate classification (germline): Conflicting classifications of pathogenicity. Review status: criteria provided, conflicting classifications (1 of 4 stars). 8 submissions from 8 submitters: Uncertain significance (1); Benign (1); Likely benign (6). Last evaluated 2026-01-27.

Conditions:
Catecholaminergic polymorphic ventricular tachycardia 1. Also called: VENTRICULAR TACHYCARDIA, STRESS-INDUCED POLYMORPHIC 1; VENTRICULAR TACHYCARDIA, CATECHOLAMINERGIC POLYMORPHIC, 1, WITH OR WITHOUT ATRIAL DYSFUNCTION AND/OR DILATED CARDIOMYOPATHY; RYR2-Related Catecholaminergic Polymorphic Ventricular Tachycardia. Identifiers: Orphanet 3286, MedGen C1631597, MONDO:0011484, OMIM 604772.
Cardiomyopathy (CMYO). Also called: Cardiomyopathies. Identifiers: Orphanet 167848, MedGen C0878544, MONDO:0004994, HP:0001638. Inheritance: Various modes of inheritance.
Cardiovascular phenotype. Identifiers: MedGen CN230736.
Catecholaminergic polymorphic ventricular tachycardia (CVPT). Also called: Catecholamine-induced polymorphic ventricular tachycardia. Identifiers: Orphanet 3286, MedGen C5574922, MONDO:0017990.

Allele frequency attached by ClinVar (database versions not stated): gnomAD exomes 0.00001 and 0.00003; gnomAD 0.00002; TOPMed 0.00003; ExAC 0.00006.
gnomAD v4.1: 16 of 1,565,696 alleles (0.001%); highest among the groups gnomAD compares: East Asian, 0.012%; no homozygotes.

Submissions (8):

Labcorp Genetics (formerly Invitae), Labcorp
Classification: Likely benign for Catecholaminergic polymorphic ventricular tachycardia 1. Last evaluated: 2026-01-27. Review status: criteria provided, single submitter. Criteria: Invitae Variant Classification Sherloc (09022015). Collection method: clinical testing. Allele origin: germline.

Blueprint Genetics
Classification: Likely benign. Last evaluated: 2024-03-08. Review status: criteria provided, single submitter. Criteria: ACMG Guidelines, 2015. Collection method: clinical testing. Allele origin: germline.

All of Us Research Program, National Institutes of Health
Classification: Likely benign for Catecholaminergic polymorphic ventricular tachycardia. Last evaluated: 2024-02-05. Review status: criteria provided, single submitter. Criteria: ACMG Guidelines, 2015. Collection method: clinical testing. Allele origin: germline. Inheritance: Autosomal dominant inheritance. Observed: 10 variant alleles, 10 heterozygotes.
Comment: This study involves interpretation of variants in research participants for the purpose of population health screening. Participant phenotype was not available at the time of variant classification. Additional details can be found in publication PMID: 35346344, PMCID: PMC8962531

Ambry Genetics
Classification: Likely benign for Cardiovascular phenotype. Last evaluated: 2023-02-27. Review status: criteria provided, single submitter. Criteria: Ambry Variant Classification Scheme 2023. Collection method: clinical testing. Allele origin: germline.

CHEO Genetics Diagnostic Laboratory, Children's Hospital of Eastern Ontario
Classification: Likely benign for Cardiomyopathy. Last evaluated: 2020-06-01. Review status: criteria provided, single submitter. Criteria: ACMG Guidelines, 2015. Collection method: clinical testing. Allele origin: germline.

Color Diagnostics, LLC DBA Color Health
Classification: Likely benign for Cardiomyopathy. Last evaluated: 2019-03-09. Review status: criteria provided, single submitter. Criteria: ACMG Guidelines, 2015. Collection method: clinical testing. Allele origin: germline.

GeneDx
Classification: Benign. Last evaluated: 2015-05-01. Review status: criteria provided, single submitter. Criteria: GeneDx Variant Classification (06012015). Collection method: clinical testing. Allele origin: germline. Affected: yes.
Comment: This variant is considered likely benign or benign based on one or more of the following criteria: it is a conservative change, it occurs at a poorly conserved position in the protein, it is predicted to be benign by multiple in silico algorithms, and/or has population frequency not consistent with disease.

Eurofins Ntd Llc (ga)
Classification: Uncertain significance. Last evaluated: 2013-10-08. Review status: criteria provided, single submitter. Criteria: EGL Classification Definitions 2015. Collection method: clinical testing. Allele origin: germline. Observed: 2 variant alleles, 2 heterozygotes.